The following is an entry in ClinVar:

ClinVar aggregate classification (germline): Pathogenic (1 of 4 stars; one submission).

Conditions:
Familial cancer of breast. Also called: BREAST CANCER, FAMILIAL; hereditary breast carcinoma; Hereditary breast cancer. Identifiers: Orphanet 227535, MedGen C0346153, MONDO:0016419, OMIM 114480. Disease mechanism: loss of function.

Submission:

Myriad Genetics, Inc.
Classification: Pathogenic for Familial cancer of breast. Last evaluated: 2023-06-26. Review status: criteria provided, single submitter. Criteria: Myriad Autosomal Dominant, Autosomal Recessive and X-Linked Classification Criteria (2023). Collection method: clinical testing. Allele origin: unknown.
Comment: This variant is considered pathogenic. This variant creates a frameshift predicted to result in premature protein truncation.

NM_007194.4(CHEK2):c.743del (p.Ile248fs)

Gene: CHEK2 (checkpoint kinase 2; minus strand). Cytogenetic location: 22q12.1.
Variant type: Deletion.
Coding change: c.743del on transcript NM_007194.4 (MANE Select); coding-DNA position 743, one base deleted (T; older notation c.743delT).
Protein change: p.Ile248fs; shifts the reading frame from isoleucine 248.
Molecular consequence: frameshift variant.
Genome position (GRCh38, 1-based): chr22:28,711,958, A deleted on the plus strand (T on the coding strand, the reverse complement: CHEK2 is on the minus strand). VCF-style (leftmost placement, unchanged base first): chr22-28711957-TA-T. GRCh37 (hg19) VCF-style: chr22-29107945-TA-T.
Other names: c.872delT, p.Ile291Lysfs (NM_001005735.3); c.80delT, p.Ile27Lysfs (NM_001257387.3); c.542delT, p.Ile181Lysfs (NM_001349956.3); c.743delT, p.Ile248Lysfs (NM_145862.3); short protein forms I181fs, I248fs, I27fs, I291fs.
Identifiers: ClinVar variation 2584173 (VCV002584173.2), dbSNP rs2517961321, ClinGen allele CA2582342771.
Genomic context (GRCh38, chr22:28,711,957, plus strand): 5'-ATTGGTACTTACTGCCTCTCTTGCTGAACCAATAGCAAACTTCCTTTTGCTGATGATCTT[TA>T]TGGCTACTTTCTTACATGTTTTCCTCTCGAAAGCCAGCTTTACCTCTCCACAGGCACCAC-3'